The following is an entry in ClinVar:

ClinVar aggregate classification (germline): Pathogenic. Review status: criteria provided, multiple submitters, no conflicts (2 of 4 stars). 3 submissions from 3 submitters: Pathogenic (3). Last evaluated 2025-12-22.

Conditions:
Smith-Lemli-Opitz syndrome (SLOS). Also called: POLYDACTYLY, SEX REVERSAL, RENAL HYPOPLASIA, AND UNILOBAR LUNG; RSH SYNDROME; RUTLEDGE LETHAL MULTIPLE CONGENITAL ANOMALY SYNDROME; LETHAL ACRODYSGENITAL SYNDROME; 7-Dehydrocholesterol reductase deficiency. Identifiers: Orphanet 818, MedGen C0175694, MONDO:0010035, OMIM 270400.
DHCR7-related disorder. Also called: DHCR7-related condition.

Allele frequency attached by ClinVar (database versions not stated): gnomAD exomes below 0.00001.

Submissions (3):

Natera, Inc.
Classification: Pathogenic for Smith-Lemli-Opitz syndrome. Last evaluated: 2025-12-22. Review status: criteria provided, single submitter. Criteria: Natera Variant Classification Schema (03/2026). Collection method: clinical testing. Allele origin: germline.
Comment: The c.720_735del variant in DHCR7 is a frameshift variant predicted to shift the reading frame beginning at codon 240 and leads to a stop codon 22 codons downstream. This variant is expected to result in nonsense mediated decay, truncation, or a dysfunctional protein product. This variant is rare in the general population with a frequency below the threshold expected for the associated phenotype(s). This variant has been observed in one or more individuals affected with the associated recessive disease, as either homozygous or compound heterozygous with a second variant (PMID: 22211794). Given the available evidence, this variant is classified as Pathogenic.

Labcorp Genetics (formerly Invitae), Labcorp
Classification: Pathogenic for Smith-Lemli-Opitz syndrome. Last evaluated: 2022-07-14. Review status: criteria provided, single submitter. Criteria: Invitae Variant Classification Sherloc (09022015). Collection method: clinical testing. Allele origin: germline.
Comment: This variant is not present in population databases (gnomAD no frequency). This premature translational stop signal has been observed in individual(s) with Smith-Lemli-Opitz syndrome (PMID: 9653161). For these reasons, this variant has been classified as Pathogenic. This sequence change creates a premature translational stop signal (p.Asn240Lysfs*22) in the DHCR7 gene. It is expected to result in an absent or disrupted protein product. Loss-of-function variants in DHCR7 are known to be pathogenic (PMID: 9634533, 10677299).

Blueprint Genetics
Classification: Pathogenic for DHCR7-related disorders. Last evaluated: 2021-05-10. Review status: criteria provided, single submitter. Criteria: ACMG Guidelines, 2015. Collection method: clinical testing. Allele origin: germline. Affected: yes. Observed: 1 variant allele.

Literature cited by the submitters: PubMed 22211794 (cited by Natera, Inc.); PubMed 9653161 (cited by Labcorp Genetics (formerly Invitae), Labcorp); PubMed 9634533 (cited by Labcorp Genetics (formerly Invitae), Labcorp); PubMed 10677299 (cited by Labcorp Genetics (formerly Invitae), Labcorp).

NM_001360.3(DHCR7):c.720_735del (p.Asn240fs)

Gene: DHCR7 (7-dehydrocholesterol reductase; minus strand). Cytogenetic location: 11q13.4.
Variant type: Deletion.
Coding change: c.720_735del on transcript NM_001360.3 (MANE Select); coding-DNA positions 720 to 735, 16 bases deleted (TGGGCGCCCCGGGATC).
Protein change: p.Asn240fs; shifts the reading frame from asparagine 240.
Molecular consequence: frameshift variant.
Genome position (GRCh38, 1-based): chr11:71,438,975-71,438,990, GATCCCGGGGCGCCCA deleted on the plus strand (TGGGCGCCCCGGGATC on the coding strand, the reverse complement: DHCR7 is on the minus strand). VCF-style (leftmost placement, unchanged base first): chr11-71438974-CGATCCCGGGGCGCCCA-C. GRCh37 (hg19) VCF-style: chr11-71150020-CGATCCCGGGGCGCCCA-C.
Other names: c.720_735del, p.Asn240fs (NM_001163817.2); c.720_735del16, p.Asn240Lysfs (NM_001360.2); c.720_735del (NM_001360.2); short protein forms N240fs.
Identifiers: ClinVar variation 2137192 (VCV002137192.6), dbSNP rs2539221431, ClinGen allele CA2580084842.
Genomic context (GRCh38, chr11:71,438,974, plus strand): 5'-CATGGCTGTGGAGCTCCCGCTGCTTCGCTGCGAAGGACAGGTTGATGAGGGTCCAGGCGA[CGATCCCGGGGCGCCCA>C]TTGAAGAACAGCTTGAAGTCAAACCACTTCCCGATCCGAGGGTTAAACTCGATGCCCATC-3'